The following is an entry in ClinVar:

NM_018055.5(NODAL):c.347A>T (p.Gln116Leu)

Gene: NODAL (nodal growth differentiation factor; minus strand). Cytogenetic location: 10q22.1.
Variant type: single nucleotide variant.
Coding change: c.347A>T on transcript NM_018055.5 (MANE Select); coding-DNA position 347, A replaced by T.
Protein change: p.Gln116Leu; replaces glutamine 116 with leucine.
Molecular consequence: missense variant. On other transcripts: 5 prime UTR variant (1).
Genome position (GRCh38, 1-based): chr10:70,435,830, T>A on the plus strand (A>T on the coding strand, the complement: NODAL is on the minus strand). VCF-style: chr10-70435830-T-A. GRCh37 (hg19) VCF-style: chr10-72195586-T-A.
Other names: c.-53A>T (NM_001329906.2); short protein forms Q116L.
Identifiers: ClinVar variation 859662 (VCV000859662.1), dbSNP rs1845345139, ClinGen allele CA376946513.

ClinVar aggregate classification (germline): Uncertain significance (1 of 4 stars; one submission).

Conditions:
Heterotaxy, visceral, 5, autosomal (HTX5). Also called: Heterotaxy, visceral, 5. Identifiers: Orphanet 450, MedGen C3495537, MONDO:0700112, OMIM 270100.

Submission:

Labcorp Genetics (formerly Invitae), Labcorp
Classification: Uncertain significance for Visceral heterotaxy 5, autosomal. Last evaluated: 2019-01-04. Review status: criteria provided, single submitter. Criteria: Invitae Variant Classification Sherloc (09022015). Collection method: clinical testing. Allele origin: germline.
Comment: This sequence change replaces glutamine with leucine at codon 116 of the NODAL protein (p.Gln116Leu). The glutamine residue is highly conserved and there is a moderate physicochemical difference between glutamine and leucine. This variant is not present in population databases (ExAC no frequency). This variant has not been reported in the literature in individuals with NODAL-related conditions. Algorithms developed to predict the effect of missense changes on protein structure and function (SIFT, PolyPhen-2, Align-GVGD) all suggest that this variant is likely to be disruptive, but these predictions have not been confirmed by published functional studies and their clinical significance is uncertain. In summary, the available evidence is currently insufficient to determine the role of this variant in disease. Therefore, it has been classified as a Variant of Uncertain Significance.